The following is an entry in ClinVar:

ClinVar aggregate classification (germline): Uncertain significance (1 of 4 stars; one submission).

Conditions:
Long QT syndrome (LQTS). Identifiers: MedGen C0023976, MeSH D008133, MONDO:0002442. Disease mechanism: loss of function. Inheritance: Various modes of inheritance.

gnomAD v4.1: 37 of 1,613,156 alleles (0.0023%); highest among the groups gnomAD compares: South Asian, 0.04%; no homozygotes.

Submission:

Labcorp Genetics (formerly Invitae), Labcorp
Classification: Uncertain significance for Long QT syndrome. Last evaluated: 2025-09-20. Review status: criteria provided, single submitter. Criteria: Invitae Variant Classification Sherloc (09022015). Collection method: clinical testing. Allele origin: germline.
Comment: This sequence change replaces lysine, which is basic and polar, with arginine, which is basic and polar, at codon 201 of the AKAP9 protein (p.Lys201Arg). This variant is present in population databases (rs566026093, gnomAD 0.05%). This variant has not been reported in the literature in individuals affected with AKAP9-related conditions. An algorithm developed to predict the effect of missense changes on protein structure and function (PolyPhen-2) suggests that this variant is likely to be disruptive. In summary, the available evidence is currently insufficient to determine the role of this variant in disease. Therefore, it has been classified as a Variant of Uncertain Significance.

NM_005751.5(AKAP9):c.602A>G (p.Lys201Arg)

Gene: AKAP9 (A-kinase anchoring protein 9; plus strand). Cytogenetic location: 7q21.2.
Variant type: single nucleotide variant.
Coding change: c.602A>G on transcript NM_005751.5 (MANE Select); coding-DNA position 602, A replaced by G.
Protein change: p.Lys201Arg; replaces lysine 201 with arginine.
Molecular consequence: missense variant.
Genome position (GRCh38, 1-based): chr7:91,994,646, A>G. VCF-style: chr7-91994646-A-G. GRCh37 (hg19) VCF-style: chr7-91623960-A-G.
Other names: c.602A>G, p.Lys201Arg (NM_147185.3); short protein forms K201R.
Identifiers: ClinVar variation 4742867 (VCV004742867.1).